The following continues an entry in ClinVar:

NM_002834.5(PTPN11):c.1403C>T (p.Thr468Met)

Gene: PTPN11. ClinVar aggregate classification (germline): Pathogenic. Pathogenic (1).

Submissions 38 to 52 of 52:

Juno Genomics, Hangzhou Juno Genomics, Inc
Classification: Pathogenic for LEOPARD syndrome 1. Review status: criteria provided, single submitter. Criteria: ACMG Guidelines, 2015. Collection method: clinical testing. Allele origin: germline. Affected: yes. Not counted in ClinVar's aggregate classification.
Comment: The prevalence of the variant in affected individuals is significantly increased compared to the prevalence in controls.;De novo (both maternity and paternity confirmed) in a patient with the disease and no family history.;Well-established in vitro or in vivo functional studies supportive of a damaging effect on the gene or gene product.;Missense variant in a gene that has a low rate of benign missense variation and where missense variants are a common mechanism of disease.

Lifecell International Pvt. Ltd
Classification: Pathogenic for Noonan syndrome 1. Review status: criteria provided, single submitter. Criteria: ACMG Guidelines, 2015. Collection method: clinical testing. Allele origin: germline. Inheritance: Autosomal dominant inheritance. Affected: yes. Observed: 1 heterozygote. Not counted in ClinVar's aggregate classification.
Comment: A Heterozygous Missense variant c.1403C>T in Exon 12 of the PTPN11 gene that results in the amino acid substitution p.Thr468Met was identified. The observed variant is novel in gnomAD exomes and genomes. The severity of the impact of this variant on the protein is medium, based on the effect of the protein and REVEL score . Rare Exome Variant Ensemble Learner (REVEL) is an ensembl method for predicting the pathogenicity of missense variants based on a combination of scores from 13 individual tools: MutPred, FATHMM v2.3, VEST 3.0, PolyPhen-2, SIFT, PROVEAN, MutationAssessor, MutationTaster, LRT, GERP++, SiPhy, phyloP, and phastCons. The REVEL score for an individual missense variant can range from 0 to 1, with higher scores reflecting greater likelihood that the variant is disease-causing. ClinVar has also classified this variant as Pathogenic [Variant ID : 13331]. The observed variation has previously been reported for Noonan syndrome by Athota, Jeevana Praharsha, et al., 2020. In vitro functional studies and animal models in zebrafish provide some evidence that the p.Thr468Met variant may impact protei n function [Stewart, Rodney A., et al., 2010]. Prenatally, the diagnosis of Noonan syndrome has been suspected following certain ultrasound findings, such as cystic hygroma, increased nuchal translucency (NT) and hydrops fetalis [Lee, K. A., et al., 2009]. For these reasons this variant has been classified as Pathogenic.

Neuberg Centre For Genomic Medicine, NCGM
Classification: Pathogenic for Noonan syndrome 1. Review status: criteria provided, single submitter. Criteria: ACMG Guidelines, 2015. Collection method: clinical testing. Allele origin: germline. Inheritance: Autosomal dominant inheritance. Affected: yes. Not counted in ClinVar's aggregate classification.
Comment: The observed missense variant c.1403C>T(p.Thr468Met) in the PTPN11 gene has been reported previously in individuals with Noonan syndrome (Athota JP et. Al., 2020, Yu ZH et al. 2014). The amino acid Thr at position 468 is changed to a Met changing protein sequence and it might alter its composition and physico-chemical properties. Experimental studies have shown that this missense change affects PTPN11 function (Yu ZH et al. 2014). This variant is reported with the allele frequency of 0.0004% in the gnomAD Exomes. This variant has been reported to the ClinVar database (multiple submissions) as Pathogenic with a status of reviewed by expert panel. The amino acid change p.Thr468Met in PTPN11 is predicted as conserved by GERP++ and PhyloP across 100 vertebrates and multiple lines of computtational evidence (Polyphen, SIFT and MutationTaster) predict a damaging effect on the protein structure and function. For these reasons, this variant has been classified as Pathogenic.

Laboratory of Research in Genomics, Genetics and Bioinformatics, Hospital Infantil de Mexico Federico Gomez
Classification: Pathogenic for LEOPARD syndrome 1. Last evaluated: 2025-04-08. Review status: no assertion criteria provided. Collection method: research. Allele origin: germline. Affected: yes. Not counted in ClinVar's aggregate classification.

PreventionGenetics, part of Exact Sciences
Classification: Pathogenic for PTPN11-related condition. Last evaluated: 2024-07-18. Review status: no assertion criteria provided. Collection method: clinical testing. Allele origin: germline. Not counted in ClinVar's aggregate classification.
Comment: The PTPN11 c.1403C>T variant is predicted to result in the amino acid substitution p.Thr468Met. This variant has been well documented as pathogenic in multiple unrelated individuals with Noonan syndrome with or without multiple lentigines (see for example - Digilio et al. 2002. PubMed ID: 12058348; Alfieri et al. 2011. PubMed ID: 21910245). At PreventionGenetics, we previously identified this variant in several other affected patients. Functional studies find this variant results in decreased protein tyrosine phosphatase activity inhibiting EGF-evoked Erk activation (Hanna et al. 2006. PubMed ID: 16638574; Kontaridis et al. 2006. PubMed ID: 16377799). This variant is reported in 0.0046% of alleles in individuals of European (Finnish) descent in gnomAD. This variant is interpreted as pathogenic.

Clinical Molecular Genetics Laboratory, Johns Hopkins All Children's Hospital
Classification: Pathogenic for Noonan syndrome. Last evaluated: 2020-01-17. Review status: no assertion criteria provided. Collection method: clinical testing. Allele origin: germline. Inheritance: Autosomal dominant inheritance. Affected: yes. Observed: 1 heterozygote. Not counted in ClinVar's aggregate classification.

Biochemical Molecular Genetic Laboratory, King Abdulaziz Medical City
Classification: Pathogenic for PTPN11-related disorder. Last evaluated: 2018-07-05. Review status: no assertion criteria provided. Collection method: clinical testing. Allele origin: germline. Affected: yes. Not counted in ClinVar's aggregate classification.

Greenwood Genetic Center Diagnostic Laboratories, Greenwood Genetic Center
Classification: Pathogenic. Last evaluated: 2015-01-15. Review status: no assertion criteria provided. Collection method: clinical testing. Allele origin: germline. Not counted in ClinVar's aggregate classification.

OMIM
Classification: Pathogenic for LEOPARD SYNDROME 1. Last evaluated: 2010-06-10. Review status: no assertion criteria provided. Collection method: literature only. Allele origin: germline. Not counted in ClinVar's aggregate classification.

Baylor Genetics
Classification: Pathogenic for Rasopathy. Review status: no assertion criteria provided. Collection method: clinical testing. Allele origin: unknown. Affected: yes. Not counted in ClinVar's aggregate classification.
Comment: Variant classified using ACMG guidelines

Clinical Genetics DNA and cytogenetics Diagnostics Lab, Erasmus MC, Erasmus Medical Center
Classification: Pathogenic. Review status: no assertion criteria provided. Collection method: clinical testing. Allele origin: germline. Affected: yes. Study: VKGL Data-share Consensus. Not counted in ClinVar's aggregate classification.

Diagnostic Laboratory, Department of Genetics, University Medical Center Groningen
Classification: Pathogenic. Review status: no assertion criteria provided. Collection method: clinical testing. Allele origin: germline. Affected: yes. Study: VKGL Data-share Consensus. Not counted in ClinVar's aggregate classification.

GeneReviews
No classification provided. Condition: LEOPARD syndrome 1. Review status: no classification provided. Collection method: literature only. Allele origin: unknown. Not counted in ClinVar's aggregate classification.

Institute of Molecular Pathology and Immunology of the University of Porto (IPATIMUP)
No classification provided. Condition: Noonan syndrome 1. Review status: no classification provided. Collection method: not provided. Allele origin: germline. Not counted in ClinVar's aggregate classification.

Joint Genome Diagnostic Labs from Nijmegen and Maastricht, Radboudumc and MUMC+
Classification: Pathogenic. Review status: no assertion criteria provided. Collection method: clinical testing. Allele origin: germline. Affected: yes. Study: VKGL Data-share Consensus. Not counted in ClinVar's aggregate classification.

Literature cited by the submitters: PubMed 15520399 (cited by 5 submitters); PubMed 24935154 (cited by 7 submitters); PubMed 12058348 (cited by 14 submitters); PubMed 20883402 (cited by 6 submitters); PubMed 24767283 (cited by 6 submitters); PubMed 18849586 (cited by 7 submitters); PubMed 29493581 (cited by 3 submitters); PubMed 25884655 (cited by 5 submitters); PubMed 19864201 (cited by 4 submitters); PubMed 16638574 (cited by 8 submitters); PubMed 18372317 (cited by 9 submitters); PubMed 17935252 (cited by 7 submitters); PubMed 21910245 (cited by Labcorp Genetics (formerly Invitae), Labcorp and Agnes Ginges Centre for Molecular Cardiology, Centenary Institute); PubMed 22555271 (cited by 3 submitters); PubMed 22585553 (cited by Labcorp Genetics (formerly Invitae), Labcorp and Agnes Ginges Centre for Molecular Cardiology, Centenary Institute); PubMed 23813970 (cited by 3 submitters); PubMed 16377799 (cited by 5 submitters); PubMed 20535210 (cited by 3 submitters); PubMed 23457302 (cited by Labcorp Genetics (formerly Invitae), Labcorp and Agnes Ginges Centre for Molecular Cardiology, Centenary Institute); PubMed 17927788 (cited by 3billion); PubMed 21365175 (cited by 3 submitters); PubMed 12960218 (cited by Ambry Genetics); PubMed 16358218 (cited by 3 submitters); PubMed 29346770 (cited by Ambry Genetics); PubMed 30025578 (cited by Ambry Genetics); PubMed 12754702 (cited by New York Genome Center); PubMed 11992261 (cited by Victorian Clinical Genetics Services, Murdoch Childrens Research Institute); PubMed 20301303 (cited by Victorian Clinical Genetics Services, Murdoch Childrens Research Institute); PubMed 21533187 (cited by Victorian Clinical Genetics Services, Murdoch Childrens Research Institute); PubMed 31040167 (cited by New York Genome Center); PubMed 15385933 (cited by Women's Health and Genetics/Laboratory Corporation of America, LabCorp); PubMed 14644997 (cited by Women's Health and Genetics/Laboratory Corporation of America, LabCorp); PubMed 25097206 (cited by Women's Health and Genetics/Laboratory Corporation of America, LabCorp); PubMed 19047918 (cited by Women's Health and Genetics/Laboratory Corporation of America, LabCorp); PubMed 15001945 (cited by Women's Health and Genetics/Laboratory Corporation of America, LabCorp); PubMed 19179468 (cited by Women's Health and Genetics/Laboratory Corporation of America, LabCorp); PubMed 17972951 (cited by Women's Health and Genetics/Laboratory Corporation of America, LabCorp); PubMed 15710330 (cited by Women's Health and Genetics/Laboratory Corporation of America, LabCorp); PubMed 25395418 (cited by Women's Health and Genetics/Laboratory Corporation of America, LabCorp); PubMed 27276561 (cited by Women's Health and Genetics/Laboratory Corporation of America, LabCorp); PubMed 27069254 (cited by Women's Health and Genetics/Laboratory Corporation of America, LabCorp); PubMed 32164556 (cited by Women's Health and Genetics/Laboratory Corporation of America, LabCorp and Lifecell International Pvt. Ltd); PubMed 24775816 (cited by Women's Health and Genetics/Laboratory Corporation of America, LabCorp and Agnes Ginges Centre for Molecular Cardiology, Centenary Institute); PubMed 19133693 (cited by Laboratory for Molecular Medicine, Mass General Brigham Personalized Medicine and Agnes Ginges Centre for Molecular Cardiology, Centenary Institute); PubMed 19054014 (cited by Laboratory for Molecular Medicine, Mass General Brigham Personalized Medicine); PubMed 19174044 (cited by Laboratory for Molecular Medicine, Mass General Brigham Personalized Medicine); PubMed 28681392 (cited by Broad Center for Mendelian Genomics, Broad Institute of MIT and Harvard and Agnes Ginges Centre for Molecular Cardiology, Centenary Institute); PubMed 27659786 (cited by Broad Center for Mendelian Genomics, Broad Institute of MIT and Harvard and OMIM); PubMed 27238887 (cited by Broad Center for Mendelian Genomics, Broad Institute of MIT and Harvard and Agnes Ginges Centre for Molecular Cardiology, Centenary Institute); PubMed 20308328 (cited by Agnes Ginges Centre for Molecular Cardiology, Centenary Institute and OMIM); PubMed 22681964 (cited by Agnes Ginges Centre for Molecular Cardiology, Centenary Institute); PubMed 27484170 (cited by Agnes Ginges Centre for Molecular Cardiology, Centenary Institute); PubMed 20493809 (cited by 4 submitters); PubMed 15121796 (cited by Agnes Ginges Centre for Molecular Cardiology, Centenary Institute); PubMed 14961557 (cited by Agnes Ginges Centre for Molecular Cardiology, Centenary Institute); PubMed 26337637 (cited by Agnes Ginges Centre for Molecular Cardiology, Centenary Institute); PubMed 19825837 (cited by Agnes Ginges Centre for Molecular Cardiology, Centenary Institute); PubMed 15712196 (cited by Agnes Ginges Centre for Molecular Cardiology, Centenary Institute); PubMed 25544017 (cited by Agnes Ginges Centre for Molecular Cardiology, Centenary Institute); PubMed 25917897 (cited by Agnes Ginges Centre for Molecular Cardiology, Centenary Institute); PubMed 22190897 (cited by Agnes Ginges Centre for Molecular Cardiology, Centenary Institute); PubMed 24037001 (cited by Agnes Ginges Centre for Molecular Cardiology, Centenary Institute); PubMed 24451042 (cited by Agnes Ginges Centre for Molecular Cardiology, Centenary Institute); PubMed 23317994 (cited by Agnes Ginges Centre for Molecular Cardiology, Centenary Institute); PubMed 22411627 (cited by Agnes Ginges Centre for Molecular Cardiology, Centenary Institute); PubMed 16338218 (cited by Molecular Diagnostics Lab, Nemours Children's Health, Delaware); PubMed 18373317 (cited by Molecular Diagnostics Lab, Nemours Children's Health, Delaware); PubMed 20301772 (cited by Department of Pediatrics, The Second Affiliated Hospital of Zhengzhou University); PubMed 18759865 (cited by Lifecell International Pvt. Ltd); PubMed 20301557 (cited by GeneReviews); NCBI Bookshelf NBK1383 (cited by GeneReviews).